The following is an entry in ClinVar:

ClinVar aggregate classification (germline): Uncertain significance (1 of 4 stars; one submission).

Conditions:
Inborn genetic diseases. Identifiers: MedGen C0950123, MeSH D030342.

Submission:

Ambry Genetics
Classification: Uncertain significance for Inborn genetic diseases. Last evaluated: 2024-04-07. Review status: criteria provided, single submitter. Criteria: Ambry Variant Classification Scheme 2023. Collection method: clinical testing. Allele origin: germline.
Comment: The p.I327V variant (also known as c.979A>G), located in coding exon 9 of the MDH2 gene, results from an A to G substitution at nucleotide position 979. The isoleucine at codon 327 is replaced by valine, an amino acid with highly similar properties. This amino acid position is conserved. In addition, the in silico prediction for this alteration is inconclusive. Based on the available evidence, the clinical significance of this variant remains unclear.

NM_005918.4(MDH2):c.979A>G (p.Ile327Val)

Gene: MDH2 (malate dehydrogenase 2; plus strand). Cytogenetic location: 7q11.23.
Variant type: single nucleotide variant.
Coding change: c.979A>G on transcript NM_005918.4 (MANE Select); coding-DNA position 979, A replaced by G.
Protein change: p.Ile327Val; replaces isoleucine 327 with valine.
Molecular consequence: missense variant.
Genome position (GRCh38, 1-based): chr7:76,066,372, A>G. VCF-style: chr7-76066372-A-G. GRCh37 (hg19) VCF-style: chr7-75695690-A-G.
Other names: c.853A>G, p.Ile285Val (NM_001282403.2); c.658A>G, p.Ile220Val (NM_001282404.2); short protein forms I327V, I220V, I285V.
Identifiers: ClinVar variation 3293829 (VCV003293829.1).